The following is an entry in ClinVar:

ClinVar aggregate classification (germline): Uncertain significance (1 of 4 stars; one submission).

Conditions:
Familial thoracic aortic aneurysm and aortic dissection (TAAD). Also called: Thoracic aortic aneurysms and dissections. Identifiers: Orphanet 91387, MedGen C4707243, MONDO:0019625.

Submission:

Ambry Genetics
Classification: Uncertain significance for Familial thoracic aortic aneurysm and aortic dissection. Last evaluated: 2021-06-12. Review status: criteria provided, single submitter. Criteria: Ambry Variant Classification Scheme 2023. Collection method: clinical testing. Allele origin: germline.
Comment: The p.V1194F variant (also known as c.3580G>T), located in coding exon 26 of the MYH11 gene, results from a G to T substitution at nucleotide position 3580. The valine at codon 1194 is replaced by phenylalanine, an amino acid with highly similar properties. This amino acid position is conserved. In addition, the in silico prediction for this alteration is inconclusive. Since supporting evidence is limited at this time, the clinical significance of this alteration remains unclear.

NM_002474.3(MYH11):c.3580G>T (p.Val1194Phe)

Gene: MYH11 (myosin heavy chain 11; minus strand). Cytogenetic location: 16p13.11.
Variant type: single nucleotide variant.
Coding change: c.3580G>T on transcript NM_002474.3 (MANE Select); coding-DNA position 3580, G replaced by T.
Protein change: p.Val1194Phe; replaces valine 1194 with phenylalanine.
Molecular consequence: missense variant.
Genome position (GRCh38, 1-based): chr16:15,732,635, C>A on the plus strand (G>T on the coding strand, the complement: MYH11 is on the minus strand). VCF-style: chr16-15732635-C-A. GRCh37 (hg19) VCF-style: chr16-15826492-C-A.
Other names: c.3601G>T, p.Val1201Phe (NM_001040113.2, NM_001040114.2); c.3580G>T, p.Val1194Phe (NM_022844.3); short protein forms V1194F, V1201F.
Identifiers: ClinVar variation 1732896 (VCV001732896.2), dbSNP rs2506170506, ClinGen allele CA394861123.